The following is an entry in ClinVar:

ClinVar aggregate classification (germline): Likely benign. Review status: criteria provided, multiple submitters, no conflicts (2 of 4 stars). 4 submissions from 4 submitters: Likely benign (4). Last evaluated 2026-02-03.

Conditions:
SOS1-related disorder. Also called: SOS1-related condition.
Cardiovascular phenotype. Identifiers: MedGen CN230736.
RASopathy. Also called: Noonan spectrum disorder; rasopathies. Identifiers: Orphanet 536391, MedGen C5555857, MONDO:0021060.

Allele frequency attached by ClinVar (database versions not stated): gnomAD 0.00001; gnomAD exomes 0.00002 and 0.00003; ExAC 0.00003; TOPMed 0.00003.
gnomAD v4.1: 29 of 1,613,802 alleles (0.0018%); highest among the groups gnomAD compares: South Asian, 0.018%; no homozygotes.

Submissions (4):

PreventionGenetics, part of Exact Sciences
Classification: Likely benign for SOS1-related condition. Last evaluated: 2026-02-03. Review status: criteria provided, single submitter. Criteria: ACMG Guidelines, 2015. Collection method: clinical testing. Allele origin: germline.
Comment: This variant is classified as likely benign based on ACMG/AMP sequence variant interpretation guidelines (Richards et al. 2015 PMID: 25741868, with internal and published modifications).

Labcorp Genetics (formerly Invitae), Labcorp
Classification: Likely benign for RASopathy. Last evaluated: 2025-06-24. Review status: criteria provided, single submitter. Criteria: Invitae Variant Classification Sherloc (09022015). Collection method: clinical testing. Allele origin: germline.

Ambry Genetics
Classification: Likely benign for Cardiovascular phenotype. Last evaluated: 2024-01-05. Review status: criteria provided, single submitter. Criteria: Ambry Variant Classification Scheme 2023. Collection method: clinical testing. Allele origin: germline.

GeneDx
Classification: Likely benign. Last evaluated: 2018-02-05. Review status: criteria provided, single submitter. Criteria: GeneDx Variant Classification (06012015). Collection method: clinical testing. Allele origin: germline. Affected: yes.
Comment: This variant is considered likely benign or benign based on one or more of the following criteria: it is a conservative change, it occurs at a poorly conserved position in the protein, it is predicted to be benign by multiple in silico algorithms, and/or has population frequency not consistent with disease.

NM_005633.4(SOS1):c.3801C>T (p.His1267=)

Gene: SOS1 (SOS Ras/Rac guanine nucleotide exchange factor 1; minus strand). Cytogenetic location: 2p22.1.
Variant type: single nucleotide variant.
Coding change: c.3801C>T on transcript NM_005633.4 (MANE Select); coding-DNA position 3801, C replaced by T.
Protein change: p.His1267=; no amino-acid change (histidine 1267 retained).
Molecular consequence: synonymous variant.
Genome position (GRCh38, 1-based): chr2:38,986,025, G>A on the plus strand (C>T on the coding strand, the complement: SOS1 is on the minus strand). VCF-style: chr2-38986025-G-A. GRCh37 (hg19) VCF-style: chr2-39213166-G-A.
Other names: c.3780C>T, p.His1260= (NM_001382394.1); c.3756C>T, p.His1252= (NM_001382395.1).
Identifiers: ClinVar variation 515139 (VCV000515139.7), dbSNP rs747676700, ClinGen allele CA1624112.